The following is an entry in ClinVar:

ClinVar aggregate classification (germline): Uncertain significance (1 of 4 stars; one submission).

Submission:

Labcorp Genetics (formerly Invitae), Labcorp
Classification: Uncertain significance. Last evaluated: 2024-11-08. Review status: criteria provided, single submitter. Criteria: Invitae Variant Classification Sherloc (09022015). Collection method: clinical testing. Allele origin: germline.
Comment: This sequence change replaces proline, which is neutral and non-polar, with serine, which is neutral and polar, at codon 407 of the SYT2 protein (p.Pro407Ser). This variant is present in population databases (rs769733229, gnomAD 0.006%). This variant has not been reported in the literature in individuals affected with SYT2-related conditions. An algorithm developed to predict the effect of missense changes on protein structure and function (PolyPhen-2) suggests that this variant is likely to be disruptive. In summary, the available evidence is currently insufficient to determine the role of this variant in disease. Therefore, it has been classified as a Variant of Uncertain Significance.

NM_177402.5(SYT2):c.1219C>T (p.Pro407Ser)

Gene: SYT2 (synaptotagmin 2; minus strand). Cytogenetic location: 1q32.1.
Variant type: single nucleotide variant.
Coding change: c.1219C>T on transcript NM_177402.5 (MANE Select); coding-DNA position 1219, C replaced by T.
Protein change: p.Pro407Ser; replaces proline 407 with serine.
Molecular consequence: missense variant.
Genome position (GRCh38, 1-based): chr1:202,596,798, G>A on the plus strand (C>T on the coding strand, the complement: SYT2 is on the minus strand). VCF-style: chr1-202596798-G-A. GRCh37 (hg19) VCF-style: chr1-202565926-G-A.
Other names: c.1219C>T, p.Pro407Ser (NM_001136504.1); short protein forms P407S.
Identifiers: ClinVar variation 3628600 (VCV003628600.2).